The following is an entry in ClinVar:

NM_016239.4(MYO15A):c.2629G>C (p.Glu877Gln)

Gene: MYO15A (myosin XVA; plus strand). Cytogenetic location: 17p11.2.
Variant type: single nucleotide variant.
Coding change: c.2629G>C on transcript NM_016239.4 (MANE Select); coding-DNA position 2629, G replaced by C.
Protein change: p.Glu877Gln; replaces glutamic acid 877 with glutamine.
Molecular consequence: missense variant.
Genome position (GRCh38, 1-based): chr17:18,121,429, G>C. VCF-style: chr17-18121429-G-C. GRCh37 (hg19) VCF-style: chr17-18024743-G-C.
Other names: short protein forms E877Q.
Identifiers: ClinVar variation 3336462 (VCV003336462.1).
Genomic context (GRCh38, chr17:18,121,429, plus strand): 5'-CCGCGGCGCAGCTCCCTGAATCTGCCCTCGCGCCTCCCGCACACGTGGCGGCGCCTCAGC[G>C]AGCCACCCACTCGGGCTGTGAAGCCGCAAGTGCGCCTGCCCTTCCACCGACCGCCCAGGG-3'
Protein context (NP_057323.3, residues 867-887): RLPHTWRRLS[Glu877Gln]PPTRAVKPQV

ClinVar aggregate classification (germline): Uncertain significance (1 of 4 stars; one submission).

gnomAD v4.1: 2 of 1,545,280 alleles (0.00013%); highest among the groups gnomAD compares: Middle Eastern, 0.019%; no homozygotes.

Submission:

Women's Health and Genetics/Laboratory Corporation of America, LabCorp
Classification: Uncertain significance. Last evaluated: 2024-05-21. Review status: criteria provided, single submitter. Criteria: LabCorp Variant Classification Summary - May 2015. Collection method: clinical testing. Allele origin: germline.
Comment: Variant summary: MYO15A c.2629G>C (p.Glu877Gln) results in a conservative amino acid change in the encoded protein sequence. Three of five in-silico tools predict a benign effect of the variant on protein function. The variant allele was found at a frequency of 7.3e-06 in 137048 control chromosomes. The available data on variant occurrences in the general population are insufficient to allow any conclusion about variant significance. To our knowledge, no occurrence of c.2629G>C in individuals affected with Autosomal Recessive Nonsyndromic Hearing Loss 3 and no experimental evidence demonstrating its impact on protein function have been reported. No submitters have cited clinical-significance assessments for this variant to ClinVar. Based on the evidence outlined above, the variant was classified as uncertain significance.